The following is an entry in ClinVar:

NM_018896.5(CACNA1G):c.4711A>G (p.Met1571Val)

Gene: CACNA1G (calcium voltage-gated channel subunit alpha1 G; plus strand). Cytogenetic location: 17q21.33.
Variant type: single nucleotide variant.
Coding change: c.4711A>G on transcript NM_018896.5 (MANE Select); coding-DNA position 4711, A replaced by G.
Protein change: p.Met1571Val; replaces methionine 1571 with valine.
Molecular consequence: missense variant. On other transcripts: non-coding transcript variant (2), intron variant (17).
Genome position (GRCh38, 1-based): chr17:50,609,887, A>G. VCF-style: chr17-50609887-A-G. GRCh37 (hg19) VCF-style: chr17-48687248-A-G.
Other names: c.4711A>G, p.Met1571Val (NM_198384.3, NM_198385.3, NM_001256327.2 and 1 more transcripts); c.4726+1847A>G (NM_198377.3, NM_198380.3, NM_198378.3 and 1 more transcripts); c.4732A>G, p.Met1578Val (NM_001256325.2); c.4609A>G, p.Met1537Val (NM_001256329.2); c.4540A>G, p.Met1514Val (NM_001256332.2); c.4630A>G, p.Met1544Val (NM_001256359.2); c.4642A>G, p.Met1548Val (NM_198382.3, NM_198383.3); c.4705+1868A>G (NM_001256324.2, NM_198386.3, NM_001256328.2); and 6 more; short protein forms M1514V, M1537V, M1544V, M1548V, M1571V, M1578V.
Identifiers: ClinVar variation 1311157 (VCV001311157.2), dbSNP rs2048824127, ClinGen allele CA400259710.

ClinVar aggregate classification (germline): Uncertain significance (1 of 4 stars; one submission).

Allele frequency attached by ClinVar (database versions not stated): gnomAD exomes 0.00001.

Submission:

GeneDx
Classification: Uncertain significance. Last evaluated: 2020-01-19. Review status: criteria provided, single submitter. Criteria: GeneDx Variant Classification Process June 2021. Collection method: clinical testing. Allele origin: germline. Affected: yes.
Comment: Not observed in large population cohorts (Lek et al., 2016); In silico analysis, which includes protein predictors and evolutionary conservation, supports that this variant does not alter protein structure/function; Has not been previously published as pathogenic or benign to our knowledge